The following is an entry in ClinVar:

ClinVar aggregate classification (germline): Uncertain significance (1 of 4 stars; one submission).

Allele frequency attached by ClinVar (database versions not stated): TOPMed below 0.00001; ExAC 0.00001.

Submission:

Labcorp Genetics (formerly Invitae), Labcorp
Classification: Uncertain significance. Last evaluated: 2024-01-02. Review status: criteria provided, single submitter. Criteria: Invitae Variant Classification Sherloc (09022015). Collection method: clinical testing. Allele origin: germline.
Comment: This sequence change replaces valine, which is neutral and non-polar, with isoleucine, which is neutral and non-polar, at codon 447 of the ZIC1 protein (p.Val447Ile). This variant is present in population databases (rs745316700, gnomAD 0.002%). This variant has not been reported in the literature in individuals affected with ZIC1-related conditions. An algorithm developed to predict the effect of missense changes on protein structure and function (PolyPhen-2) suggests that this variant is likely to be disruptive. In summary, the available evidence is currently insufficient to determine the role of this variant in disease. Therefore, it has been classified as a Variant of Uncertain Significance.

NM_003412.4(ZIC1):c.1339G>A (p.Val447Ile)

Gene: ZIC1 (Zic family zinc finger 1; plus strand). Cytogenetic location: 3q24.
Variant type: single nucleotide variant.
Coding change: c.1339G>A on transcript NM_003412.4 (MANE Select); coding-DNA position 1339, G replaced by A.
Protein change: p.Val447Ile; replaces valine 447 with isoleucine.
Molecular consequence: missense variant.
Genome position (GRCh38, 1-based): chr3:147,413,546, G>A. VCF-style: chr3-147413546-G-A. GRCh37 (hg19) VCF-style: chr3-147131333-G-A.
Other names: short protein forms V447I.
Identifiers: ClinVar variation 2963628 (VCV002963628.3), dbSNP rs745316700, ClinGen allele CA2657248.
Genomic context (GRCh38, chr3:147,413,546, plus strand): 5'-TCCGCAGTCCACCACACAGCCGGCCACAGTGCGCTCTCTTCCAATTTTAACGAATGGTAC[G>A]TTTAAAATCAGAAACAAAACATCGAACAAAACCCTATTTAAGAGACTGATCACACACGTA-3'
Protein context (NP_003403.2, residues 437-447): ALSSNFNEWY[Val447Ile]